The following is an entry in ClinVar:

ClinVar aggregate classification (germline): Likely benign. Review status: criteria provided, multiple submitters, no conflicts (2 of 4 stars). 6 submissions from 6 submitters: Likely benign (4). 2 of the submissions do not count toward it. Last evaluated 2026-02-03.

Conditions:
Galactosylceramide beta-galactosidase deficiency. Also called: Leukodystrophy, Globoid Cell; Krabbe Disease; GALACTOCEREBROSIDASE DEFICIENCY; GALC DEFICIENCY; GLOBOID CELL LEUKOENCEPHALOPATHY. Identifiers: Orphanet 487, MedGen C0023521, MONDO:0009499, OMIM 245200.

Allele frequency attached by ClinVar (database versions not stated): gnomAD exomes 0.00056; ExAC 0.00063; gnomAD 0.00210 and 0.00224; TOPMed 0.00215; 1000 Genomes Project 30x 0.00250; 1000 Genomes Project 0.00260; ESP Exome Variant Server 0.00260.

Submissions (6):

Labcorp Genetics (formerly Invitae), Labcorp
Classification: Likely benign for Galactosylceramide beta-galactosidase deficiency. Last evaluated: 2026-02-03. Review status: criteria provided, single submitter. Criteria: Invitae Variant Classification Sherloc (09022015). Collection method: clinical testing. Allele origin: germline.

Women's Health and Genetics/Laboratory Corporation of America, LabCorp
Classification: Likely benign. Last evaluated: 2025-07-08. Review status: criteria provided, single submitter. Criteria: LabCorp Variant Classification Summary - May 2015. Collection method: clinical testing. Allele origin: germline.
Comment: Variant summary: GALC c.1862G>A (p.Arg621His) results in a non-conservative amino acid change in the encoded protein sequence. Algorithms developed to predict the effect of missense changes on protein structure and function are either unavailable or do not agree on the potential impact of this missense change. The variant allele was found at a frequency of 0.00056 in 248802 control chromosomes, predominantly at a frequency of 0.0076 within the African or African-American subpopulation in the gnomAD database, including 2 homozygotes. The observed variant frequency within African or African-American control individuals in the gnomAD database is approximately 2.15 fold of the estimated maximal expected allele frequency for a pathogenic variant in GALC causing Galactosylceramide beta-galactosidase deficiency phenotype (0.0035). To our knowledge, no occurrence of c.1862G>A in individuals affected with Galactosylceramide beta-galactosidase deficiency and no experimental evidence demonstrating its impact on protein function have been reported. ClinVar contains an entry for this variant (Variation ID: 558780). Based on the evidence outlined above, the variant was classified as likely benign.

ARUP Laboratories, Molecular Genetics and Genomics, ARUP Laboratories
Classification: Likely benign for Galactosylceramide beta-galactosidase deficiency. Last evaluated: 2025-02-28. Review status: criteria provided, single submitter. Criteria: ARUP Molecular Germline Variant Investigation Process 2024. Collection method: clinical testing. Allele origin: germline.

Blueprint Genetics
Classification: Likely benign. Last evaluated: 2024-07-18. Review status: criteria provided, single submitter. Criteria: ACMG Guidelines, 2015. Collection method: clinical testing. Allele origin: germline.

Mayo Clinic Laboratories, Mayo Clinic
Classification: Likely benign. Last evaluated: 2017-05-15. Review status: no assertion criteria provided. Collection method: clinical testing. Allele origin: unknown. Not counted in ClinVar's aggregate classification.

Department of Pathology and Laboratory Medicine, Sinai Health System
Classification: Likely benign. Review status: no assertion criteria provided. Collection method: clinical testing. Allele origin: unknown. Affected: yes. Study: The Canadian Open Genetics Repository (COGR). Not counted in ClinVar's aggregate classification.
Comment: The GALC p.Arg595His variant was not identified in the literature nor was it identified in Cosmic and LOVD 3.0. The variant was identified in dbSNP (ID: rs192911803), ClinVar (classified as likely benign by Mayo Clinic), and in control databases in 211 of 280146 chromosomes (2 homozygous) at a frequency of 0.000753 increasing the likelihood this could be a low frequency benign variant (Genome Aggregation Database Feb 27, 2017). The variant was observed in the following populations: African in 188 of 24156 chromosomes (freq: 0.007783), Latino in 13 of 35328 chromosomes (freq: 0.000368), South Asian in 6 of 30584 chromosomes (freq: 0.000196), Other in 1 of 7128 chromosomes (freq: 0.00014) and European (non-Finnish) in 3 of 128108 chromosomes (freq: 0.000023), but was not observed in the Ashkenazi Jewish, East Asian, and European (Finnish) populations. The p.Arg595 residue is not conserved in mammals and computational analyses (PolyPhen-2, SIFT, AlignGVGD, BLOSUM, MutationTaster) do not suggest a high likelihood of impact to the protein; however, this information is not predictive enough to rule out pathogenicity. The variant occurs outside of the splicing consensus sequence and in silico or computational prediction software programs (SpliceSiteFinder, MaxEntScan, NNSPLICE, GeneSplicer) do not predict a difference in splicing. In summary, based on the above information the clinical significance of this variant cannot be determined with certainty at this time although we would lean towards a more benign role for this variant. This variant is classified as likely benign.

NM_000153.4(GALC):c.1862G>A (p.Arg621His)

Gene: GALC (galactosylceramidase; minus strand). Cytogenetic location: 14q31.3.
Variant type: single nucleotide variant.
Coding change: c.1862G>A on transcript NM_000153.4 (MANE Select); coding-DNA position 1862, G replaced by A.
Protein change: p.Arg621His; replaces arginine 621 with histidine.
Molecular consequence: missense variant.
Genome position (GRCh38, 1-based): chr14:87,939,954, C>T on the plus strand (G>A on the coding strand, the complement: GALC is on the minus strand). VCF-style: chr14-87939954-C-T. GRCh37 (hg19) VCF-style: chr14-88406298-C-T.
Other names: c.1793G>A, p.Arg598His (NM_001201401.2); c.1784G>A, p.Arg595His (NM_001201402.2); short protein forms R621H, R595H, R598H.
Identifiers: ClinVar variation 558780 (VCV000558780.19), dbSNP rs192911803, ClinGen allele CA7296888.